The following is an entry in ClinVar:

NM_000130.5(F5):c.4334C>T (p.Thr1445Ile)

Gene: F5 (coagulation factor V; minus strand). Cytogenetic location: 1q24.2.
Variant type: single nucleotide variant.
Coding change: c.4334C>T on transcript NM_000130.5 (MANE Select); coding-DNA position 4334, C replaced by T.
Protein change: p.Thr1445Ile; replaces threonine 1445 with isoleucine.
Molecular consequence: missense variant.
Genome position (GRCh38, 1-based): chr1:169,540,756, G>A on the plus strand (C>T on the coding strand, the complement: F5 is on the minus strand). VCF-style: chr1-169540756-G-A. GRCh37 (hg19) VCF-style: chr1-169509994-G-A.
Other names: short protein forms T1445I.
Identifiers: ClinVar variation 4754086 (VCV004754086.1).

ClinVar aggregate classification (germline): Uncertain significance (1 of 4 stars; one submission).

Conditions:
Congenital factor V deficiency. Also called: LABILE FACTOR DEFICIENCY; OWREN PARAHEMOPHILIA; PARAHEMOPHILIA; Hereditary factor V deficiency disease. Identifiers: Orphanet 326, MedGen C0015499, MONDO:0009210, OMIM 227400.

gnomAD v4.1: 2 of 1,614,038 alleles (0.00012%); highest among the groups gnomAD compares: Admixed American, 0.0033%; no homozygotes.

Submission:

Labcorp Genetics (formerly Invitae), Labcorp
Classification: Uncertain significance for Congenital factor V deficiency. Last evaluated: 2025-03-13. Review status: criteria provided, single submitter. Criteria: Invitae Variant Classification Sherloc (09022015). Collection method: clinical testing. Allele origin: germline.
Comment: This sequence change replaces threonine, which is neutral and polar, with isoleucine, which is neutral and non-polar, at codon 1445 of the F5 protein (p.Thr1445Ile). This variant is present in population databases (no rsID available, gnomAD 0.003%). This variant has not been reported in the literature in individuals affected with F5-related conditions. Invitae Evidence Modeling of protein sequence and biophysical properties (such as structural, functional, and spatial information, amino acid conservation, physicochemical variation, residue mobility, and thermodynamic stability) indicates that this missense variant is not expected to disrupt F5 protein function with a negative predictive value of 95%. In summary, the available evidence is currently insufficient to determine the role of this variant in disease. Therefore, it has been classified as a Variant of Uncertain Significance.